The following is an entry in ClinVar:

ClinVar aggregate classification (germline): Uncertain significance (1 of 4 stars; one submission).

Conditions:
Hereditary pancreatitis (PCTT). Also called: Hereditary chronic pancreatitis; PRSS1-Related Hereditary Pancreatitis. Identifiers: Orphanet 676, MedGen C0238339, MONDO:0008185, OMIM 167800.

Submission:

Ambry Genetics
Classification: Uncertain significance for Hereditary pancreatitis. Last evaluated: 2021-10-13. Review status: criteria provided, single submitter. Criteria: Ambry Variant Classification Scheme 2023. Collection method: clinical testing. Allele origin: germline.
Comment: The p.S61Y variant (also known as c.182C>A), located in coding exon 3 of the CPA1 gene, results from a C to A substitution at nucleotide position 182. The serine at codon 61 is replaced by tyrosine, an amino acid with dissimilar properties. This amino acid position is conserved. In addition, this alteration is predicted to be tolerated by in silico analysis. Since supporting evidence is limited at this time, the clinical significance of this alteration remains unclear.

NM_001868.4(CPA1):c.182C>A (p.Ser61Tyr)

Gene: CPA1 (carboxypeptidase A1; plus strand). Cytogenetic location: 7q32.2.
Variant type: single nucleotide variant.
Coding change: c.182C>A on transcript NM_001868.4 (MANE Select); coding-DNA position 182, C replaced by A.
Protein change: p.Ser61Tyr; replaces serine 61 with tyrosine.
Molecular consequence: missense variant.
Genome position (GRCh38, 1-based): chr7:130,381,664, C>A. VCF-style: chr7-130381664-C-A. GRCh37 (hg19) VCF-style: chr7-130021505-C-A.
Other names: short protein forms S61Y.
Identifiers: ClinVar variation 1780913 (VCV001780913.2), dbSNP rs2536005092, ClinGen allele CA369279664.